The following is an entry in ClinVar:

NM_001113378.2(FANCI):c.2855_2869delinsTTG (p.Thr952_Phe957delinsIleVal)

Gene: FANCI (FA complementation group I; plus strand). Cytogenetic location: 15q26.1.
Variant type: Indel.
Coding change: c.2855_2869delinsTTG on transcript NM_001113378.2 (MANE Select); coding-DNA positions 2855 to 2869, CTCAGAGAACAGCAT replaced by TTG.
Protein change: p.Thr952_Phe957delinsIleVal.
Molecular consequence: inframe indel.
Genome position (GRCh38, 1-based): chr15:89,300,351-89,300,365, CTCAGAGAACAGCAT replaced by TTG. VCF-style: chr15-89300351-CTCAGAGAACAGCAT-TTG. GRCh37 (hg19) VCF-style: chr15-89843582-CTCAGAGAACAGCAT-TTG.
Other names: c.2576_2590delinsTTG, p.Thr859_Phe864delinsIleVal (NM_001376910.1); c.2855_2869delinsTTG, p.Thr952_Phe957delinsIleVal (NM_001376911.1); c.2675_2689delinsTTG, p.Thr892_Phe897delinsIleVal (NM_018193.3).
Identifiers: ClinVar variation 2714375 (VCV002714375.2), dbSNP rs1555448946, ClinGen allele CA658798432.
Genomic context (GRCh38, chr15:89,300,351, plus strand): 5'-CATTCCTAGATGTCACAGATAAGGAAGGAGAAGAGAGAGAAGATGCAGATGTCAGTGTCA[CTCAGAGAACAGCAT>TTG]TCCAGATCCGGCAATTTCAGGTGAGAAGCCTTGCAAAGCTGCTGTACTGGCCTGAGAGGC-3'

ClinVar aggregate classification (germline): Uncertain significance (1 of 4 stars; one submission).

Conditions:
Fanconi anemia (FA). Also called: Fanconi's anemia. Identifiers: Orphanet 84, MedGen C0015625, MeSH D005199, MONDO:0019391.

Submission:

Labcorp Genetics (formerly Invitae), Labcorp
Classification: Uncertain significance for Fanconi anemia. Last evaluated: 2017-12-10. Review status: criteria provided, single submitter. Criteria: Invitae Variant Classification Sherloc (09022015). Collection method: clinical testing. Allele origin: germline.
Comment: This is a complex sequence change that replaces amino acids 952-957 of the FANCI protein with isoleucine and valine (p.Thr952_Phe957delinsIleVal). This variant is not present in population databases (ExAC no frequency). This variant has not been reported in the literature in individuals with FANCI-related disease. In summary, the available evidence is currently insufficient to determine the role of this variant in disease. Therefore, it has been classified as a Variant of Uncertain Significance. Experimental studies and prediction algorithms are not available for this variant, and the functional significance of the disrupted amino acids is currently unknown.